The following is an entry in ClinVar:

ClinVar aggregate classification (germline): Likely benign (1 of 4 stars; one submission).

Conditions:
ACVR1-related disorder. Also called: ACVR1-related condition.

Submission:

PreventionGenetics, part of Exact Sciences
Classification: Likely benign for ACVR1-related condition. Last evaluated: 2026-04-09. Review status: criteria provided, single submitter. Criteria: ACMG Guidelines, 2015. Collection method: clinical testing. Allele origin: germline.
Comment: This variant is classified as likely benign based on ACMG/AMP sequence variant interpretation guidelines (Richards et al. 2015 PMID: 25741868, with internal and published modifications).

NM_001111067.4(ACVR1):c.1527T>C (p.Cys509=)

Gene: ACVR1 (activin A receptor type 1; minus strand). Cytogenetic location: 2q24.1.
Variant type: single nucleotide variant.
Coding change: c.1527T>C on transcript NM_001111067.4 (MANE Select); coding-DNA position 1527, T replaced by C.
Protein change: p.Cys509=; no amino-acid change (cysteine 509 retained).
Molecular consequence: synonymous variant.
Genome position (GRCh38, 1-based): chr2:157,737,534, A>G on the plus strand (T>C on the coding strand, the complement: ACVR1 is on the minus strand). VCF-style: chr2-157737534-A-G. GRCh37 (hg19) VCF-style: chr2-158594046-A-G.
Other names: c.1527T>C, p.Cys509= (NM_001105.5, NM_001347663.1, NM_001347664.1 and 3 more transcripts).
Identifiers: ClinVar variation 4979913 (VCV004979913.1).